The following is an entry in ClinVar:

NM_001395413.1(POR):c.1516C>T (p.Arg506Cys)

Gene: POR (cytochrome p450 oxidoreductase; plus strand). Cytogenetic location: 7q11.23.
Variant type: single nucleotide variant.
Coding change: c.1516C>T on transcript NM_001395413.1 (MANE Select); coding-DNA position 1516, C replaced by T.
Protein change: p.Arg506Cys; replaces arginine 506 with cysteine.
Molecular consequence: missense variant.
Genome position (GRCh38, 1-based): chr7:75,985,705, C>T. VCF-style: chr7-75985705-C-T. GRCh37 (hg19) VCF-style: chr7-75615023-C-T.
Other names: c.1525C>T (NM_000941.2); c.1516C>T, p.Arg506Cys (NM_001367562.3, NM_001382657.2, NM_001382658.3 and 1 more transcripts); c.1570C>T, p.Arg524Cys (NM_001382655.3); c.1366C>T, p.Arg456Cys (NM_001382662.3); short protein forms R456C, R506C, R524C.
Identifiers: ClinVar variation 1516493 (VCV001516493.4), dbSNP rs374141883, ClinGen allele CA4304179.

ClinVar aggregate classification (germline): Uncertain significance. Review status: criteria provided, multiple submitters, no conflicts (2 of 4 stars). 2 submissions from 2 submitters: Uncertain significance (2). Last evaluated 2025-01-06.

Conditions:
Congenital adrenal hyperplasia due to cytochrome P450 oxidoreductase deficiency. Also called: DISORDERED STEROIDOGENESIS DUE TO POR DEFICIENCY. Identifiers: Orphanet 95699, MedGen C1860042, MONDO:0013310, OMIM 613571.

Allele frequency attached by ClinVar (database versions not stated): gnomAD exomes 0.00014; ExAC 0.00024; ESP Exome Variant Server 0.00024; gnomAD 0.00043 and 0.00048; TOPMed 0.00048.
gnomAD v4.1: 156 of 1,587,626 alleles (0.0098%); highest among the groups gnomAD compares: African/African-American, 0.13%; 1 homozygote.

Submissions (2):

GeneDx
Classification: Uncertain significance. Last evaluated: 2025-01-06. Review status: criteria provided, single submitter. Criteria: GeneDx Variant Classification Process June 2021. Collection method: clinical testing. Allele origin: germline. Affected: yes.
Comment: In silico analysis supports that this missense variant has a deleterious effect on protein structure/function; Has not been previously published as pathogenic or benign to our knowledge

Labcorp Genetics (formerly Invitae), Labcorp
Classification: Uncertain significance for Congenital adrenal hyperplasia due to cytochrome P450 oxidoreductase deficiency. Last evaluated: 2022-08-12. Review status: criteria provided, single submitter. Criteria: Invitae Variant Classification Sherloc (09022015). Collection method: clinical testing. Allele origin: germline.
Comment: This sequence change replaces arginine, which is basic and polar, with cysteine, which is neutral and slightly polar, at codon 509 of the POR protein (p.Arg509Cys). This variant is present in population databases (rs374141883, gnomAD 0.1%). This variant has not been reported in the literature in individuals affected with POR-related conditions. ClinVar contains an entry for this variant (Variation ID: 1516493). Algorithms developed to predict the effect of missense changes on protein structure and function are either unavailable or do not agree on the potential impact of this missense change (SIFT: "Deleterious"; PolyPhen-2: "Benign"; Align-GVGD: "Class C0"). In summary, the available evidence is currently insufficient to determine the role of this variant in disease. Therefore, it has been classified as a Variant of Uncertain Significance.